The following is an entry in ClinVar:

ClinVar aggregate classification (germline): Uncertain significance (1 of 4 stars; one submission).

gnomAD v4.1: 4 of 1,614,110 alleles (0.00025%); highest among the groups gnomAD compares: Non-Finnish European, 0.00034%; no homozygotes.

Submission:

Labcorp Genetics (formerly Invitae), Labcorp
Classification: Uncertain significance. Last evaluated: 2021-02-16. Review status: criteria provided, single submitter. Criteria: Invitae Variant Classification Sherloc (09022015). Collection method: clinical testing. Allele origin: germline.
Comment: In summary, the available evidence is currently insufficient to determine the role of this variant in disease. Therefore, it has been classified as a Variant of Uncertain Significance. Algorithms developed to predict the effect of missense changes on protein structure and function (SIFT, PolyPhen-2, Align-GVGD) all suggest that this variant is likely to be tolerated, but these predictions have not been confirmed by published functional studies and their clinical significance is uncertain. This variant has not been reported in the literature in individuals with SLC25A19-related conditions. This variant is present in population databases (rs760452046, ExAC 0.002%). This sequence change replaces tyrosine with phenylalanine at codon 166 of the SLC25A19 protein (p.Tyr166Phe). The tyrosine residue is moderately conserved and there is a small physicochemical difference between tyrosine and phenylalanine.

NM_001126121.2(SLC25A19):c.497A>T (p.Tyr166Phe)

Gene: SLC25A19 (solute carrier family 25 member 19; minus strand). Cytogenetic location: 17q25.1.
Variant type: single nucleotide variant.
Coding change: c.497A>T on transcript NM_001126121.2 (MANE Select); coding-DNA position 497, A replaced by T.
Protein change: p.Tyr166Phe; replaces tyrosine 166 with phenylalanine.
Molecular consequence: missense variant.
Genome position (GRCh38, 1-based): chr17:75,278,298, T>A on the plus strand (A>T on the coding strand, the complement: SLC25A19 is on the minus strand). VCF-style: chr17-75278298-T-A. GRCh37 (hg19) VCF-style: chr17-73274379-T-A.
Other names: c.497A>T, p.Tyr166Phe (NM_001126122.2, NM_021734.5); short protein forms Y166F.
Identifiers: ClinVar variation 1372996 (VCV001372996.8), dbSNP rs760452046, ClinGen allele CA8760970.